The following is an entry in ClinVar:

ClinVar aggregate classification (germline): Uncertain significance. Review status: criteria provided, multiple submitters, no conflicts (2 of 4 stars). 3 submissions from 3 submitters: Uncertain significance (2). 1 of the submissions does not count toward it. Last evaluated 2026-01-04.

Conditions:
Inborn genetic diseases. Identifiers: MedGen C0950123, MeSH D030342.
MBD4-related disorder. Also called: MBD4-related condition.

Allele frequency attached by ClinVar (database versions not stated): gnomAD 0.00021; ExAC 0.00008; ESP Exome Variant Server 0.00038; gnomAD exomes 0.00001; TOPMed 0.00017.

Submissions (3):

Labcorp Genetics (formerly Invitae), Labcorp
Classification: Uncertain significance. Last evaluated: 2026-01-04. Review status: criteria provided, single submitter. Criteria: Invitae Variant Classification Sherloc (09022015). Collection method: clinical testing. Allele origin: germline.
Comment: This sequence change replaces valine, which is neutral and non-polar, with aspartic acid, which is acidic and polar, at codon 228 of the MBD4 protein (p.Val228Asp). This variant is present in population databases (rs150940003, gnomAD 0.07%). This variant has not been reported in the literature in individuals affected with MBD4-related conditions. ClinVar contains an entry for this variant (Variation ID: 2973762). An algorithm developed to predict the effect of missense changes on protein structure and function (PolyPhen-2) suggests that this variant is likely to be disruptive. In summary, the available evidence is currently insufficient to determine the role of this variant in disease. Therefore, it has been classified as a Variant of Uncertain Significance.

Ambry Genetics
Classification: Uncertain significance for Inborn genetic diseases. Last evaluated: 2024-11-22. Review status: criteria provided, single submitter. Criteria: Ambry Variant Classification Scheme 2023. Collection method: clinical testing. Allele origin: germline.
Comment: The p.V228D variant (also known as c.683T>A), located in coding exon 3 of the MBD4 gene, results from a T to A substitution at nucleotide position 683. The valine at codon 228 is replaced by aspartic acid, an amino acid with highly dissimilar properties. This amino acid position is conserved. In addition, this alteration is predicted to be tolerated by in silico analysis. Based on the available evidence, the clinical significance of this variant remains unclear.

PreventionGenetics, part of Exact Sciences
Classification: Uncertain significance for MBD4-related condition. Last evaluated: 2024-08-29. Review status: no assertion criteria provided. Collection method: clinical testing. Allele origin: germline. Not counted in ClinVar's aggregate classification.
Comment: The MBD4 c.683T>A variant is predicted to result in the amino acid substitution p.Val228Asp. To our knowledge, this variant has not been reported in the literature. This variant is reported in 0.064% of alleles in individuals of African descent in gnomAD and has not been interpreted in ClinVar. Although we suspect that this variant may be benign, at this time, the clinical significance of this variant is uncertain due to the absence of conclusive functional and genetic evidence.

NM_001276270.2(MBD4):c.683T>A (p.Val228Asp)

Gene: MBD4 (methyl-CpG binding domain 4, DNA glycosylase; minus strand). Cytogenetic location: 3q21.3.
Variant type: single nucleotide variant.
Coding change: c.683T>A on transcript NM_001276270.2 (MANE Select); coding-DNA position 683, T replaced by A.
Protein change: p.Val228Asp; replaces valine 228 with aspartic acid.
Molecular consequence: missense variant. On other transcripts: intron variant (1).
Genome position (GRCh38, 1-based): chr3:129,436,961, A>T on the plus strand (T>A on the coding strand, the complement: MBD4 is on the minus strand). VCF-style: chr3-129436961-A-T. GRCh37 (hg19) VCF-style: chr3-129155804-A-T.
Other names: c.683T>A (NM_003925.2); c.683T>A, p.Val228Asp (NM_001276271.2, NM_001276272.2, NM_003925.3); c.247+847T>A (NM_001276273.2); short protein forms V228D.
Identifiers: ClinVar variation 2973762 (VCV002973762.5), dbSNP rs150940003, ClinGen allele CA2605484.